The following is an entry in ClinVar:

NM_153676.4(USH1C):c.67_68insT (p.Lys23fs)

Gene: USH1C (USH1 protein network component harmonin; minus strand). Cytogenetic location: 11p15.1.
Variant type: Insertion.
Coding change: c.67_68insT on transcript NM_153676.4 (MANE Select); coding-DNA positions 67 to 68, T inserted.
Protein change: p.Lys23fs; shifts the reading frame from lysine 23.
Molecular consequence: frameshift variant. On other transcripts: non-coding transcript variant (1).
Genome position: GRCh38 VCF-style: chr11-17533291-T-TA. GRCh37 (hg19) VCF-style: chr11-17554838-T-TA.
Other names: c.67_68insT, p.Lys23fs (NM_001297764.2, NM_005709.4); short protein forms K23fs.
Identifiers: ClinVar variation 3727708 (VCV003727708.2).
Genomic context (GRCh38, chr11:17,533,291, plus strand): 5'-AAGAGCTGGACCCAGCACACTTACTGGTGGTACATTCGCAGCACATCATAGAGATAGTCC[T>TA]TCTCTGCATCATTTTCAATCAGAAAATCCACCTGGAAAATCCAATAGCAGAATCACAGCT-3'

ClinVar aggregate classification (germline): Pathogenic (1 of 4 stars; one submission).

Submission:

Labcorp Genetics (formerly Invitae), Labcorp
Classification: Pathogenic. Last evaluated: 2024-12-21. Review status: criteria provided, single submitter. Criteria: Invitae Variant Classification Sherloc (09022015). Collection method: clinical testing. Allele origin: germline.
Comment: This sequence change creates a premature translational stop signal (p.Lys23Ilefs*6) in the USH1C gene. It is expected to result in an absent or disrupted protein product. Loss-of-function variants in USH1C are known to be pathogenic (PMID: 10973247, 17407589, 20301442, 21203349). This variant is not present in population databases (gnomAD no frequency). This variant has not been reported in the literature in individuals affected with USH1C-related conditions. Algorithms developed to predict the effect of sequence changes on RNA splicing suggest that this variant may disrupt the consensus splice site. For these reasons, this variant has been classified as Pathogenic.

Literature cited by the submitters: PubMed 10973247; PubMed 17407589; PubMed 20301442; PubMed 21203349.